The following is an entry in ClinVar:

ClinVar aggregate classification (germline): Uncertain significance (1 of 4 stars; one submission).

Conditions:
Amyotrophic lateral sclerosis type 1 (ALS1). Also called: AMYOTROPHIC LATERAL SCLEROSIS 1, FAMILIAL. Identifiers: Orphanet 803, MedGen C1862939, MONDO:0007103, OMIM 105400.
Perry syndrome. Also called: PARKINSONISM WITH ALVEOLAR HYPOVENTILATION AND MENTAL DEPRESSION. Identifiers: Orphanet 178509, MedGen C1868594, MONDO:0008201, OMIM 168605.
Neuronopathy, distal hereditary motor, type 7B. Also called: Distal Hereditary Motor Neuronopathy Type 7B (dHMN7B); HMN VIIB; LOWER MOTOR NEURON DISEASE, DYNACTIN TYPE; NEURONOPATHY, DISTAL HEREDITARY MOTOR, AUTOSOMAL DOMINANT 14; NEURONOPATHY, DISTAL HEREDITARY MOTOR, HARDING TYPE VIIB; NEUROPATHY, DISTAL HEREDITARY MOTOR, HARDING TYPE VIIB. Identifiers: Orphanet 139589, MedGen C1843315, MONDO:0011879, OMIM 607641.

Submission:

Labcorp Genetics (formerly Invitae), Labcorp
Classification: Uncertain significance for Amyotrophic lateral sclerosis type 1; Neuronopathy, distal hereditary motor, type 7B; Perry syndrome. Last evaluated: 2019-11-13. Review status: criteria provided, single submitter. Criteria: Invitae Variant Classification Sherloc (09022015). Collection method: clinical testing. Allele origin: germline.
Comment: Algorithms developed to predict the effect of missense changes on protein structure and function are either unavailable or do not agree on the potential impact of this missense change (SIFT: "Deleterious"; PolyPhen-2: "Probably Damaging"; Align-GVGD: "Class C15"). This variant has not been reported in the literature in individuals with DCTN1-related conditions. This variant is not present in population databases (ExAC no frequency). This sequence change replaces phenylalanine with leucine at codon 1012 of the DCTN1 protein (p.Phe1012Leu). The phenylalanine residue is highly conserved and there is a small physicochemical difference between phenylalanine and leucine. In summary, the available evidence is currently insufficient to determine the role of this variant in disease. Therefore, it has been classified as a Variant of Uncertain Significance.

NM_004082.5(DCTN1):c.3034T>C (p.Phe1012Leu)

Gene: DCTN1 (dynactin subunit 1; minus strand). Cytogenetic location: 2p13.1.
Variant type: single nucleotide variant.
Coding change: c.3034T>C on transcript NM_004082.5 (MANE Select); coding-DNA position 3034, T replaced by C.
Protein change: p.Phe1012Leu; replaces phenylalanine 1012 with leucine.
Molecular consequence: missense variant. On other transcripts: non-coding transcript variant (1).
Genome position (GRCh38, 1-based): chr2:74,365,237, A>G on the plus strand (T>C on the coding strand, the complement: DCTN1 is on the minus strand). VCF-style: chr2-74365237-A-G. GRCh37 (hg19) VCF-style: chr2-74592364-A-G.
Other names: c.2974T>C, p.Phe992Leu (NM_001135040.3); c.2632T>C, p.Phe878Leu (NM_001135041.3, NM_023019.4); c.2923T>C, p.Phe975Leu (NM_001190836.2); c.3013T>C, p.Phe1005Leu (NM_001190837.2); c.2983T>C, p.Phe995Leu (NM_001378991.1); c.2965T>C, p.Phe989Leu (NM_001378992.1); short protein forms F1012L, F878L, F992L, F995L, F989L, F975L, F1005L.
Identifiers: ClinVar variation 969136 (VCV000969136.10), dbSNP rs1674319515, ClinGen allele CA347340932.